The following is an entry in ClinVar:

ClinVar aggregate classification (germline): Uncertain significance (1 of 4 stars; one submission).

Submission:

Ambry Genetics
Classification: Uncertain significance. Last evaluated: 2024-05-08. Review status: criteria provided, single submitter. Criteria: Ambry Variant Classification Scheme 2023. Collection method: clinical testing. Allele origin: germline.
Comment: The p.D296V variant (also known as c.887A>T), located in coding exon 3 of the TERF2IP gene, results from an A to T substitution at nucleotide position 887. The aspartic acid at codon 296 is replaced by valine, an amino acid with highly dissimilar properties. This amino acid position is conserved. In addition, this alteration is predicted to be tolerated by in silico analysis. Since supporting evidence is limited at this time, the clinical significance of this alteration remains unclear.

NM_018975.4(TERF2IP):c.887A>T (p.Asp296Val)

Gene: TERF2IP (TERF2 interacting protein; plus strand). Cytogenetic location: 16q23.1.
Variant type: single nucleotide variant.
Coding change: c.887A>T on transcript NM_018975.4 (MANE Select); coding-DNA position 887, A replaced by T.
Protein change: p.Asp296Val; replaces aspartic acid 296 with valine.
Molecular consequence: missense variant. On other transcripts: non-coding transcript variant (1).
Genome position (GRCh38, 1-based): chr16:75,656,298, A>T. VCF-style: chr16-75656298-A-T. GRCh37 (hg19) VCF-style: chr16-75690196-A-T.
Other names: short protein forms D296V.
Identifiers: ClinVar variation 1764956 (VCV001764956.3), dbSNP rs2507089316, ClinGen allele CA396819800.
Genomic context (GRCh38, chr16:75,656,298, plus strand): 5'-ATATAACTATGTGTGATGATGATCCACCCACACCTGAGGAAGACTCAGAAACACAGCCTG[A>T]TGAGGAGGAAGAAGAAGAAGAAGAAAAAGTTTCTCAACCAGAGGTGGGAGCTGCCATTAA-3'
Protein context (NP_061848.2, residues 286-306): TPEEDSETQP[Asp296Val]EEEEEEEEKV